The following is an entry in ClinVar:

NM_133510.4(RAD51B):c.190A>G (p.Met64Val)

Gene: RAD51B (RAD51 paralog B; plus strand). Cytogenetic location: 14q24.1.
Variant type: single nucleotide variant.
Coding change: c.190A>G on transcript NM_133510.4 (MANE Select); coding-DNA position 190, A replaced by G.
Protein change: p.Met64Val; replaces methionine 64 with valine.
Molecular consequence: missense variant. On other transcripts: 5 prime UTR variant (1).
Genome position (GRCh38, 1-based): chr14:67,825,569, A>G. VCF-style: chr14-67825569-A-G. GRCh37 (hg19) VCF-style: chr14-68292286-A-G.
Other names: c.190A>G, p.Met64Val (NM_001321809.2, NM_001321810.2, NM_001321812.1 and 6 more transcripts); c.76A>G, p.Met26Val (NM_001321815.1); c.-266A>G (NM_001321817.2); short protein forms M26V, M64V.
Identifiers: ClinVar variation 3942312 (VCV003942312.1).

ClinVar aggregate classification (germline): Uncertain significance (1 of 4 stars; one submission).

gnomAD v4.1: 3 of 1,594,962 alleles (0.00019%); highest among the groups gnomAD compares: Admixed American, 0.0017%; no homozygotes.

Submission:

Ambry Genetics
Classification: Uncertain significance. Last evaluated: 2025-05-08. Review status: criteria provided, single submitter. Criteria: Ambry Variant Classification Scheme 2023. Collection method: clinical testing. Allele origin: germline.
Comment: The p.M64V variant (also known as c.190A>G), located in coding exon 2 of the RAD51B gene, results from an A to G substitution at nucleotide position 190. The methionine at codon 64 is replaced by valine, an amino acid with highly similar properties. This amino acid position is conserved. In addition, the in silico prediction for this alteration is inconclusive. Based on the available evidence, the clinical significance of this variant remains unclear.